The following is an entry in ClinVar:

ClinVar aggregate classification (germline): Uncertain significance. Review status: criteria provided, multiple submitters, no conflicts (2 of 4 stars). 3 submissions from 3 submitters: Uncertain significance (3). Last evaluated 2024-12-18.

Conditions:
Charcot-Marie-Tooth disease recessive intermediate C. Also called: CHARCOT-MARIE-TOOTH NEUROPATHY, RECESSIVE INTERMEDIATE C. Identifiers: Orphanet 369867, MedGen C3809309, MONDO:0014154, OMIM 615376.
Neuronopathy, distal hereditary motor, autosomal recessive 4. Also called: Autosomal recessive lower motor neuron disease with childhood onset; NEUROPATHY, DISTAL HEREDITARY MOTOR, AUTOSOMAL RECESSIVE 4. Identifiers: Orphanet 206580, MedGen C1970211, MONDO:0012608, OMIM 611067.
Inborn genetic diseases. Identifiers: MedGen C0950123, MeSH D030342.

Allele frequency attached by ClinVar (database versions not stated): gnomAD 0.00002; TOPMed 0.00004; ESP Exome Variant Server 0.00008.
gnomAD v4.1: 9 of 1,584,840 alleles (0.00057%); highest among the groups gnomAD compares: African/African-American, 0.012%; no homozygotes.

Submissions (3):

GeneDx
Classification: Uncertain significance. Last evaluated: 2024-12-18. Review status: criteria provided, single submitter. Criteria: GeneDx Variant Classification Process June 2021. Collection method: clinical testing. Allele origin: germline. Affected: yes.
Comment: In silico analysis indicates that this missense variant does not alter protein structure/function; Has not been previously published as pathogenic or benign to our knowledge

Labcorp Genetics (formerly Invitae), Labcorp
Classification: Uncertain significance for Neuronopathy, distal hereditary motor, autosomal recessive 4; Charcot-Marie-Tooth disease recessive intermediate C. Last evaluated: 2024-10-15. Review status: criteria provided, single submitter. Criteria: Invitae Variant Classification Sherloc (09022015). Collection method: clinical testing. Allele origin: germline.
Comment: This sequence change replaces arginine, which is basic and polar, with methionine, which is neutral and non-polar, at codon 967 of the PLEKHG5 protein (p.Arg967Met). This variant is present in population databases (rs376606416, gnomAD 0.02%). This variant has not been reported in the literature in individuals affected with PLEKHG5-related conditions. ClinVar contains an entry for this variant (Variation ID: 246207). An algorithm developed to predict the effect of missense changes on protein structure and function (PolyPhen-2) suggests that this variant¬¨‚Ä†is likely to be tolerated. In summary, the available evidence is currently insufficient to determine the role of this variant in disease. Therefore, it has been classified as a Variant of Uncertain Significance.

Ambry Genetics
Classification: Uncertain significance for Inborn genetic diseases. Last evaluated: 2023-08-18. Review status: criteria provided, single submitter. Criteria: Ambry Variant Classification Scheme 2023. Collection method: clinical testing. Allele origin: germline.

NM_020631.6(PLEKHG5):c.2900G>T (p.Arg967Met)

Gene: PLEKHG5 (pleckstrin homology and RhoGEF domain containing G5; minus strand). Cytogenetic location: 1p36.31.
Variant type: single nucleotide variant.
Coding change: c.2900G>T on transcript NM_020631.6 (MANE Select); coding-DNA position 2900, G replaced by T.
Protein change: p.Arg967Met; replaces arginine 967 with methionine.
Molecular consequence: missense variant. On other transcripts: intron variant (1).
Genome position (GRCh38, 1-based): chr1:6,467,936, C>A on the plus strand (G>T on the coding strand, the complement: PLEKHG5 is on the minus strand). VCF-style: chr1-6467936-C-A. GRCh37 (hg19) VCF-style: chr1-6527996-C-A.
Other names: c.3011G>T, p.Arg1004Met (NM_001042663.3, NM_001265592.2); c.2900G>T, p.Arg967Met (NM_001042664.2, NM_001042665.2, NM_198681.4); c.3107G>T, p.Arg1036Met (NM_001265593.2); c.2738-38G>T (NM_001265594.3); short protein forms R967M, R1036M, R1004M.
Identifiers: ClinVar variation 246207 (VCV000246207.8), dbSNP rs376606416, ClinGen allele CA561070.